The following is an entry in ClinVar:

NM_015047.3(EMC1):c.1945-1G>T

Genes: EMC1 (ER membrane protein complex subunit 1; minus strand), EMC1-AS1 (EMC1 antisense RNA 1; plus strand). Cytogenetic location: 1p36.13.
Variant type: single nucleotide variant.
Coding change: c.1945-1G>T on transcript NM_015047.3 (MANE Select); the canonical splice acceptor site of the intron before coding-DNA position 1945, G replaced by T.
Molecular consequence: splice acceptor variant.
Genome position (GRCh38, 1-based): chr1:19,230,964, C>A on the plus strand (G>T on the coding strand, the complement: EMC1 is on the minus strand). VCF-style: chr1-19230964-C-A. GRCh37 (hg19) VCF-style: chr1-19557458-C-A.
Other names: c.1879-1G>T (NM_001271429.2); c.1942-1G>T (NM_001271427.2, NM_001271428.2); c.1951-1G>T (NM_001375821.1); c.1954-1G>T (NM_001375820.1).
Identifiers: ClinVar variation 1036769 (VCV001036769.9), dbSNP rs145763979, ClinGen allele CA18814880.

ClinVar aggregate classification (germline): Likely pathogenic (1 of 4 stars; one submission).

Allele frequency attached by ClinVar (database versions not stated): TOPMed below 0.00001; ESP Exome Variant Server 0.00008.

Submission:

Labcorp Genetics (formerly Invitae), Labcorp
Classification: Likely pathogenic. Last evaluated: 2022-06-13. Review status: criteria provided, single submitter. Criteria: Invitae Variant Classification Sherloc (09022015). Collection method: clinical testing. Allele origin: germline.
Comment: Algorithms developed to predict the effect of sequence changes on RNA splicing suggest that this variant may disrupt the consensus splice site. In summary, the currently available evidence indicates that the variant is pathogenic, but additional data are needed to prove that conclusively. Therefore, this variant has been classified as Likely Pathogenic. ClinVar contains an entry for this variant (Variation ID: 1036769). This variant has not been reported in the literature in individuals affected with EMC1-related conditions. This variant is not present in population databases (gnomAD no frequency). This sequence change affects an acceptor splice site in intron 16 of the EMC1 gene. It is expected to disrupt RNA splicing. Variants that disrupt the donor or acceptor splice site typically lead to a loss of protein function (PMID: 16199547), and loss-of-function variants in EMC1 are known to be pathogenic (PMID: 26572623, 26942288, 29271071).

Literature cited by the submitters: PubMed 16199547; PubMed 26572623; PubMed 26942288; PubMed 29271071.